The following is an entry in ClinVar:

NM_001148.6(ANK2):c.10664G>A (p.Gly3555Asp)

Gene: ANK2 (ankyrin 2; plus strand). Cytogenetic location: 4q26.
Variant type: single nucleotide variant.
Coding change: c.10664G>A on transcript NM_001148.6 (MANE Select); coding-DNA position 10664, G replaced by A.
Protein change: p.Gly3555Asp; replaces glycine 3555 with aspartic acid.
Molecular consequence: missense variant. On other transcripts: intron variant (68).
Genome position (GRCh38, 1-based): chr4:113,359,282, G>A. VCF-style: chr4-113359282-G-A. GRCh37 (hg19) VCF-style: chr4-114280438-G-A.
Other names: c.10430G>A, p.Gly3477Asp (NM_001386142.1); c.7064G>A, p.Gly2355Asp (NM_001386166.1); c.10805G>A, p.Gly3602Asp (NM_001386174.1); c.10781G>A, p.Gly3594Asp (NM_001386175.1); c.4412-1541G>A (NM_001386186.2, NM_001386148.2); c.4214-1541G>A (NM_001354269.3); c.4292-1541G>A (NM_001386187.2); c.4253-1541G>A (NM_001386147.1); and 35 more; short protein forms G2355D, G3594D, G3602D, G3477D, G3555D.
Identifiers: ClinVar variation 4050947 (VCV004050947.1).

ClinVar aggregate classification (germline): Uncertain significance (1 of 4 stars; one submission).

Conditions:
Cardiovascular phenotype. Identifiers: MedGen CN230736.

gnomAD v4.1: 1 of 1,613,786 alleles (0.000062%); highest among the groups gnomAD compares: Non-Finnish European, 0.000085%; no homozygotes.

Submission:

Ambry Genetics
Classification: Uncertain significance for Cardiovascular phenotype. Last evaluated: 2025-04-13. Review status: criteria provided, single submitter. Criteria: Ambry Variant Classification Scheme 2023. Collection method: clinical testing. Allele origin: germline.
Comment: The p.G3555D variant (also known as c.10664G>A), located in coding exon 38 of the ANK2 gene, results from a G to A substitution at nucleotide position 10664. The glycine at codon 3555 is replaced by aspartic acid, an amino acid with similar properties. This amino acid position is conserved. In addition, this alteration is predicted to be deleterious by in silico analysis. Based on the available evidence, the clinical significance of this variant remains unclear.